The following is an entry in ClinVar:

ClinVar aggregate classification (germline): Likely benign (0 of 4 stars; one submission).

Conditions:
MYB-related disorder. Also called: MYB-related condition.

Allele frequency attached by ClinVar (database versions not stated): TOPMed 0.00001; gnomAD exomes 0.00002; gnomAD 0.00003; ExAC 0.00007; 1000 Genomes Project 0.00020; 1000 Genomes Project 30x 0.00031.
gnomAD v4.1: 37 of 1,614,176 alleles (0.0023%); highest among the groups gnomAD compares: East Asian, 0.051%; no homozygotes.

Submission:

PreventionGenetics, part of Exact Sciences
Classification: Likely benign for MYB-related condition. Last evaluated: 2019-11-13. Review status: no assertion criteria provided. Collection method: clinical testing. Allele origin: germline.
Comment: This variant is classified as likely benign based on ACMG/AMP sequence variant interpretation guidelines (Richards et al. 2015 PMID: 25741868, with internal and published modifications).

NM_001130173.2(MYB):c.1083T>G (p.Pro361=)

Gene: MYB (MYB proto-oncogene, transcription factor; plus strand). Cytogenetic location: 6q23.3.
Variant type: single nucleotide variant.
Coding change: c.1083T>G on transcript NM_001130173.2 (MANE Select); coding-DNA position 1083, T replaced by G.
Protein change: p.Pro361=; no amino-acid change (proline 361 retained).
Molecular consequence: synonymous variant. On other transcripts: non-coding transcript variant (8), intron variant (1).
Genome position (GRCh38, 1-based): chr6:135,195,882, T>G. VCF-style: chr6-135195882-T-G. GRCh37 (hg19) VCF-style: chr6-135517020-T-G.
Other names: c.1074T>G, p.Pro358= (NM_001130172.2, NM_001161656.2); c.1083T>G, p.Pro361= (NM_001161658.2, NM_001161659.2, NM_005375.4); c.978T>G, p.Pro326= (NM_001161660.2); c.948+1422T>G (NM_001161657.2).
Identifiers: ClinVar variation 3045316 (VCV003045316.2), dbSNP rs189282361, ClinGen allele CA4011475.
Genomic context (GRCh38, chr6:135,195,882, plus strand): 5'-CAGTGCACCTGTTTCCTGTTTGGGAGAACACCACTCCACTCCATCTCTGCCAGCGGATCC[T>G]GGCTCCCTACCTGAAGAAAGCGCCTCGCCAGCAAGGTGCATGATCGTCCACCAGGGCACC-3'
Protein context (NP_001123645.1, residues 351-371): HHSTPSLPAD[Pro361=]GSLPEESASP